The following is an entry in ClinVar:

ClinVar aggregate classification (germline): Pathogenic (1 of 4 stars; one submission).

Conditions:
Hereditary cancer-predisposing syndrome. Also called: Hereditary Cancer Syndrome; Hereditary neoplastic syndrome; Tumor predisposition; Neoplastic Syndromes, Hereditary. Identifiers: Orphanet 140162, MedGen C0027672, MeSH D009386, MONDO:0015356.

Submission:

Ambry Genetics
Classification: Pathogenic for Hereditary cancer-predisposing syndrome. Last evaluated: 2021-03-31. Review status: criteria provided, single submitter. Criteria: Ambry Variant Classification Scheme 2023. Collection method: clinical testing. Allele origin: germline.
Comment: The c.248_249delCAinsT pathogenic mutation, located in coding exon 3 of the ATM gene, results from the deletion of two nucleotides and insertion of one nucleotide causing a translational frameshift with a predicted alternate stop codon. This variant was not reported in population-based cohorts in the Genome Aggregation Database (gnomAD). This alteration is expected to result in loss of function by premature protein truncation or nonsense-mediated mRNA decay. As such, this alteration is interpreted as a disease-causing mutation.

NM_000051.4(ATM):c.248_249delinsT (p.Ser83fs)

Gene: ATM (ATM serine/threonine kinase; plus strand). Cytogenetic location: 11q22.3.
Variant type: Indel.
Coding change: c.248_249delinsT on transcript NM_000051.4 (MANE Select); coding-DNA positions 248 to 249, CA replaced by T.
Protein change: p.Ser83fs; shifts the reading frame from serine 83.
Molecular consequence: frameshift variant.
Genome position (GRCh38, 1-based): chr11:108,229,240-108,229,241, CA replaced by T. VCF-style: chr11-108229240-CA-T. GRCh37 (hg19) VCF-style: chr11-108099967-CA-T.
Other names: c.248_249delinsT, p.Ser83fs (NM_001351834.2, NM_001351835.2, NM_001351836.2); short protein forms S83fs.
Identifiers: ClinVar variation 1791904 (VCV001791904.2), dbSNP rs2496920427, ClinGen allele CA2580083153.